The following is an entry in ClinVar:

ClinVar aggregate classification (germline): Uncertain significance (1 of 4 stars; one submission).

gnomAD v4.1: 1 of 1,614,224 alleles (0.000062%); highest among the groups gnomAD compares: Non-Finnish European, 0.000085%; no homozygotes.

Submission:

Labcorp Genetics (formerly Invitae), Labcorp
Classification: Uncertain significance. Last evaluated: 2024-11-25. Review status: criteria provided, single submitter. Criteria: Invitae Variant Classification Sherloc (09022015). Collection method: clinical testing. Allele origin: germline.
Comment: This sequence change replaces valine, which is neutral and non-polar, with aspartic acid, which is acidic and polar, at codon 174 of the NSD1 protein (p.Val174Asp). This variant is not present in population databases (gnomAD no frequency). This missense change has been observed in individual(s) with Sotos syndrome (PMID: 29164086). Invitae Evidence Modeling of protein sequence and biophysical properties (such as structural, functional, and spatial information, amino acid conservation, physicochemical variation, residue mobility, and thermodynamic stability) indicates that this missense variant is not expected to disrupt NSD1 protein function with a negative predictive value of 95%. In summary, the available evidence is currently insufficient to determine the role of this variant in disease. Therefore, it has been classified as a Variant of Uncertain Significance.

Literature cited by the submitters: PubMed 29164086.

NM_022455.5(NSD1):c.521T>A (p.Val174Asp)

Gene: NSD1 (nuclear receptor binding SET domain protein 1; plus strand). Cytogenetic location: 5q35.3.
Variant type: single nucleotide variant.
Coding change: c.521T>A on transcript NM_022455.5 (MANE Select); coding-DNA position 521, T replaced by A.
Protein change: p.Val174Asp; replaces valine 174 with aspartic acid.
Molecular consequence: missense variant. On other transcripts: intron variant (8).
Genome position (GRCh38, 1-based): chr5:177,135,624, T>A. VCF-style: chr5-177135624-T-A. GRCh37 (hg19) VCF-style: chr5-176562625-T-A.
Other names: c.521T>A, p.Val174Asp (NM_001409301.1, NM_001409302.1, NM_001409303.1); c.417+104T>A (NM_001409304.1); c.-36-317T>A (NM_001409305.1, NM_001409306.1, NM_001409308.1 and 4 more transcripts); short protein forms V174D.
Identifiers: ClinVar variation 3616518 (VCV003616518.2).